The following is an entry in ClinVar:

ClinVar aggregate classification (germline): Uncertain significance (1 of 4 stars; one submission).

Conditions:
Charcot-Marie-Tooth disease type 2E (CMT2E). Also called: CHARCOT-MARIE-TOOTH DISEASE, AXONAL, TYPE 2E; CHARCOT-MARIE-TOOTH NEUROPATHY, TYPE 2E. Identifiers: Orphanet 99939, MedGen C1843225, MONDO:0011894, OMIM 607684.

Submission:

Labcorp Genetics (formerly Invitae), Labcorp
Classification: Uncertain significance for Charcot-Marie-Tooth disease type 2E. Last evaluated: 2024-02-25. Review status: criteria provided, single submitter. Criteria: Invitae Variant Classification Sherloc (09022015). Collection method: clinical testing. Allele origin: germline.
Comment: This sequence change replaces threonine, which is neutral and polar, with asparagine, which is neutral and polar, at codon 520 of the NEFL protein (p.Thr520Asn). This variant is not present in population databases (gnomAD no frequency). This variant has not been reported in the literature in individuals affected with NEFL-related conditions. Advanced modeling of protein sequence and biophysical properties (such as structural, functional, and spatial information, amino acid conservation, physicochemical variation, residue mobility, and thermodynamic stability) has been performed at Invitae for this missense variant, however the output from this modeling did not meet the statistical confidence thresholds required to predict the impact of this variant on NEFL protein function. In summary, the available evidence is currently insufficient to determine the role of this variant in disease. Therefore, it has been classified as a Variant of Uncertain Significance.

NM_006158.5(NEFL):c.1559C>A (p.Thr520Asn)

Gene: NEFL (neurofilament light chain; minus strand). Cytogenetic location: 8p21.2.
Variant type: single nucleotide variant.
Coding change: c.1559C>A on transcript NM_006158.5 (MANE Select); coding-DNA position 1559, C replaced by A.
Protein change: p.Thr520Asn; replaces threonine 520 with asparagine.
Molecular consequence: missense variant.
Genome position (GRCh38, 1-based): chr8:24,952,883, G>T on the plus strand (C>A on the coding strand, the complement: NEFL is on the minus strand). VCF-style: chr8-24952883-G-T. GRCh37 (hg19) VCF-style: chr8-24810396-G-T.
Other names: short protein forms T520N.
Identifiers: ClinVar variation 3621428 (VCV003621428.2).